The following is an entry in ClinVar:

NM_018706.7(DHTKD1):c.2194G>A (p.Val732Met)

Gene: DHTKD1 (dehydrogenase E1 and transketolase domain containing 1; plus strand). Cytogenetic location: 10p14.
Variant type: single nucleotide variant.
Coding change: c.2194G>A on transcript NM_018706.7 (MANE Select); coding-DNA position 2194, G replaced by A.
Protein change: p.Val732Met; replaces valine 732 with methionine.
Molecular consequence: missense variant.
Genome position (GRCh38, 1-based): chr10:12,112,939, G>A. VCF-style: chr10-12112939-G-A. GRCh37 (hg19) VCF-style: chr10-12154938-G-A.
Other names: short protein forms V732M.
Identifiers: ClinVar variation 2871611 (VCV002871611.3), dbSNP rs2491513587, ClinGen allele CA376013422.
Genomic context (GRCh38, chr10:12,112,939, plus strand): 5'-TTCTTGCCACTTCTCTCCCAGATGTGTGACAGTGCGGAAGAGGGGGTGGACGGAGACACT[G>A]TGAACATGTTTGTGGTTCACCCAACAACTCCTGCACAGTATTTCCACTTGCTTAGGAGAC-3'
Protein context (NP_061176.4, residues 722-742): SAEEGVDGDT[Val732Met]NMFVVHPTTP

ClinVar aggregate classification (germline): Uncertain significance (1 of 4 stars; one submission).

Conditions:
2-aminoadipic 2-oxoadipic aciduria (AAKAD). Also called: ALPHA-AMINOADIPIC AND ALPHA-KETOADIPIC ACIDURIA; Aminoadipic aciduria. Identifiers: Orphanet 79154, MedGen C1859817, MONDO:0008774, OMIM 204750.

gnomAD v4.1: 1 of 1,613,074 alleles (0.000062%); no homozygotes.

Submission:

Labcorp Genetics (formerly Invitae), Labcorp
Classification: Uncertain significance for 2-aminoadipic 2-oxoadipic aciduria. Last evaluated: 2022-12-24. Review status: criteria provided, single submitter. Criteria: Invitae Variant Classification Sherloc (09022015). Collection method: clinical testing. Allele origin: germline.
Comment: In summary, the available evidence is currently insufficient to determine the role of this variant in disease. Therefore, it has been classified as a Variant of Uncertain Significance. Algorithms developed to predict the effect of missense changes on protein structure and function are either unavailable or do not agree on the potential impact of this missense change (SIFT: "Deleterious"; PolyPhen-2: "Possibly Damaging"; Align-GVGD: "Class C0"). This variant has not been reported in the literature in individuals affected with DHTKD1-related conditions. This variant is not present in population databases (gnomAD no frequency). This sequence change replaces valine, which is neutral and non-polar, with methionine, which is neutral and non-polar, at codon 732 of the DHTKD1 protein (p.Val732Met).